The following is an entry in ClinVar:

ClinVar aggregate classification (germline): Likely benign. Review status: criteria provided, multiple submitters, no conflicts (2 of 4 stars). 3 submissions from 3 submitters: Likely benign (3). Last evaluated 2022-09-01.

Conditions:
Muscular dystrophy-dystroglycanopathy (congenital with brain and eye anomalies), type a, 12 (MDDGA12). Also called: WALKER-WARBURG SYNDROME OR MUSCLE-EYE-BRAIN DISEASE, POMK-RELATED. Identifiers: Orphanet 899, MedGen C3808964, MONDO:0014101, OMIM 615249.
Limb-girdle muscular dystrophy due to POMK deficiency. Also called: MUSCULAR DYSTROPHY-DYSTROGLYCANOPATHY, LIMB-GIRDLE, POMK-RELATED; Muscular dystrophy-dystroglycanopathy (limb-girdle), type c, 12. Identifiers: Orphanet 445110, MedGen C4015184, MONDO:0014489, OMIM 616094.

Allele frequency attached by ClinVar (database versions not stated): TOPMed below 0.00001; ExAC 0.00001; gnomAD 0.00001; gnomAD exomes 0.00001.
gnomAD v4.1: 5 of 1,612,446 alleles (0.00031%); highest among the groups gnomAD compares: Non-Finnish European, 0.00034%; no homozygotes.

Submissions (3):

CeGaT Center for Human Genetics Tuebingen
Classification: Likely benign. Last evaluated: 2022-09-01. Review status: criteria provided, single submitter. Criteria: CeGaT Center For Human Genetics Tuebingen Variant Classification Criteria Version 2. Collection method: clinical testing. Allele origin: germline. Affected: yes. Observed: 1 variant allele.
Comment: POMK: BP4, BP7

Labcorp Genetics (formerly Invitae), Labcorp
Classification: Likely benign for Muscular dystrophy-dystroglycanopathy (congenital with brain and eye anomalies), type a, 12; Limb-girdle muscular dystrophy due to POMK deficiency. Last evaluated: 2020-02-12. Review status: criteria provided, single submitter. Criteria: Invitae Variant Classification Sherloc (09022015). Collection method: clinical testing. Allele origin: germline.

GeneDx
Classification: Likely benign. Last evaluated: 2017-03-09. Review status: criteria provided, single submitter. Criteria: GeneDx Variant Classification (06012015). Collection method: clinical testing. Allele origin: germline. Affected: yes.
Comment: This variant is considered likely benign or benign based on one or more of the following criteria: it is a conservative change, it occurs at a poorly conserved position in the protein, it is predicted to be benign by multiple in silico algorithms, and/or has population frequency not consistent with disease.

NM_032237.5(POMK):c.1023C>T (p.Ala341=)

Gene: POMK (protein O-mannose kinase; plus strand). Cytogenetic location: 8p11.21.
Variant type: single nucleotide variant.
Coding change: c.1023C>T on transcript NM_032237.5 (MANE Select); coding-DNA position 1023, C replaced by T.
Protein change: p.Ala341=; no amino-acid change (alanine 341 retained).
Molecular consequence: synonymous variant.
Genome position (GRCh38, 1-based): chr8:43,122,847, C>T. VCF-style: chr8-43122847-C-T. GRCh37 (hg19) VCF-style: chr8-42977990-C-T.
Other names: c.1023C>T, p.Ala341= (NM_001277971.2).
Identifiers: ClinVar variation 508003 (VCV000508003.32), dbSNP rs777058315, ClinGen allele CA4736395.